The following is an entry in ClinVar:

ClinVar aggregate classification (germline): Uncertain significance (1 of 4 stars; one submission).

Conditions:
Hereditary cancer-predisposing syndrome. Also called: Neoplastic Syndromes, Hereditary; Tumor predisposition; Hereditary Cancer Syndrome; Hereditary neoplastic syndrome. Identifiers: Orphanet 140162, MedGen C0027672, MeSH D009386, MONDO:0015356.

Submission:

Ambry Genetics
Classification: Uncertain significance for Hereditary cancer-predisposing syndrome. Last evaluated: 2026-05-27. Review status: criteria provided, single submitter. Criteria: Ambry Variant Classification Scheme 2023. Collection method: clinical testing. Allele origin: germline.
Comment: The p.H684Y variant (also known as c.2050C>T), located in coding exon 19 of the POLE gene, results from a C to T substitution at nucleotide position 2050. The histidine at codon 684 is replaced by tyrosine, an amino acid with similar properties. This amino acid position is conserved. In addition, this alteration is predicted to be tolerated by in silico analysis. Based on the available evidence, the clinical significance of this variant remains unclear.

NM_006231.4(POLE):c.2050C>T (p.His684Tyr)

Gene: POLE (DNA polymerase epsilon, catalytic subunit; minus strand). Cytogenetic location: 12q24.33.
Variant type: single nucleotide variant.
Coding change: c.2050C>T on transcript NM_006231.4 (MANE Select); coding-DNA position 2050, C replaced by T.
Protein change: p.His684Tyr; replaces histidine 684 with tyrosine.
Molecular consequence: missense variant.
Genome position (GRCh38, 1-based): chr12:132,668,479, G>A on the plus strand (C>T on the coding strand, the complement: POLE is on the minus strand). VCF-style: chr12-132668479-G-A. GRCh37 (hg19) VCF-style: chr12-133245065-G-A.
Other names: short protein forms H684Y.
Identifiers: ClinVar variation 4862334 (VCV004862334.1).